The following is an entry in ClinVar:

NM_001363711.2(DUOX2):c.992C>T (p.Ala331Val)

Gene: DUOX2 (dual oxidase 2; minus strand). Cytogenetic location: 15q21.1.
Variant type: single nucleotide variant.
Coding change: c.992C>T on transcript NM_001363711.2 (MANE Select); coding-DNA position 992, C replaced by T.
Protein change: p.Ala331Val; replaces alanine 331 with valine.
Molecular consequence: missense variant.
Genome position (GRCh38, 1-based): chr15:45,110,476, G>A on the plus strand (C>T on the coding strand, the complement: DUOX2 is on the minus strand). VCF-style: chr15-45110476-G-A. GRCh37 (hg19) VCF-style: chr15-45402674-G-A.
Other names: c.992C>T, p.Ala331Val (NM_014080.5); short protein forms A331V.
Identifiers: ClinVar variation 2574806 (VCV002574806.1), dbSNP rs2504780373, ClinGen allele CA392278097.

ClinVar aggregate classification (germline): Uncertain significance (1 of 4 stars; one submission).

Submission:

GeneDx
Classification: Uncertain significance. Last evaluated: 2023-02-01. Review status: criteria provided, single submitter. Criteria: GeneDx Variant Classification Process June 2021. Collection method: clinical testing. Allele origin: germline. Affected: yes.
Comment: Not observed at significant frequency in large population cohorts (gnomAD); In silico analysis supports that this missense variant has a deleterious effect on protein structure/function; Has not been previously published as pathogenic or benign to our knowledge